The following is an entry in ClinVar:

ClinVar aggregate classification (germline): Uncertain significance (1 of 4 stars; one submission).

Conditions:
Familial thoracic aortic aneurysm and aortic dissection (TAAD). Also called: Thoracic aortic aneurysms and dissections. Identifiers: Orphanet 91387, MedGen C4707243, MONDO:0019625.

Submission:

Ambry Genetics
Classification: Uncertain significance for Familial thoracic aortic aneurysm and aortic dissection. Last evaluated: 2024-01-27. Review status: criteria provided, single submitter. Criteria: Ambry Variant Classification Scheme 2023. Collection method: clinical testing. Allele origin: germline.
Comment: The p.N402S variant (also known as c.1205A>G), located in coding exon 12 of the PLOD1 gene, results from an A to G substitution at nucleotide position 1205. The asparagine at codon 402 is replaced by serine, an amino acid with highly similar properties. This amino acid position is conserved. In addition, this alteration is predicted to be tolerated by in silico analysis. Based on the available evidence, the clinical significance of this alteration remains unclear.

NM_000302.4(PLOD1):c.1205A>G (p.Asn402Ser)

Gene: PLOD1 (procollagen-lysine,2-oxoglutarate 5-dioxygenase 1; plus strand). Cytogenetic location: 1p36.22.
Variant type: single nucleotide variant.
Coding change: c.1205A>G on transcript NM_000302.4 (MANE Select); coding-DNA position 1205, A replaced by G.
Protein change: p.Asn402Ser; replaces asparagine 402 with serine.
Molecular consequence: missense variant.
Genome position (GRCh38, 1-based): chr1:11,964,177, A>G. VCF-style: chr1-11964177-A-G. GRCh37 (hg19) VCF-style: chr1-12024234-A-G.
Other names: c.1346A>G, p.Asn449Ser (NM_001316320.2); short protein forms N402S, N449S.
Identifiers: ClinVar variation 3231120 (VCV003231120.1), dbSNP rs2522852117, ClinGen allele CA338440841.